The following is an entry in ClinVar:

NM_001985.3(ETFB):c.438+20C>T

Gene: ETFB (electron transfer flavoprotein subunit beta; minus strand). Cytogenetic location: 19q13.41.
Variant type: single nucleotide variant.
Coding change: c.438+20C>T on transcript NM_001985.3 (MANE Select); 20 bases into the intron after coding-DNA position 438, C replaced by T.
Molecular consequence: intron variant.
Genome position (GRCh38, 1-based): chr19:51,350,309, G>A on the plus strand (C>T on the coding strand, the complement: ETFB is on the minus strand). VCF-style: chr19-51350309-G-A. GRCh37 (hg19) VCF-style: chr19-51853563-G-A.
Other names: c.711+20C>T (NM_001014763.1).
Identifiers: ClinVar variation 137230 (VCV000137230.16), dbSNP rs114985874, ClinGen allele CA295615.

ClinVar aggregate classification (germline): Benign. Review status: criteria provided, multiple submitters, no conflicts (2 of 4 stars). 5 submissions from 5 submitters: Benign (5). Last evaluated 2026-01-31.

Conditions:
Multiple acyl-CoA dehydrogenase deficiency (MADD). Also called: Glutaric aciduria, type 2; Glutaric acidemia type II; GA 2; ETHYLMALONIC-ADIPICACIDURIA; GA II; Glutaric Acidemia type 2. Identifiers: Orphanet 26791, MedGen C0268596, MONDO:0009282, OMIM 231680.

Allele frequency attached by ClinVar (database versions not stated): gnomAD exomes 0.00090 and 0.00209; ExAC 0.00331; gnomAD 0.00633 and 0.00662; TOPMed 0.00688; 1000 Genomes Project 30x 0.00750; 1000 Genomes Project 0.00799; ESP Exome Variant Server 0.00830.
gnomAD v4.1: 2,363 of 1,606,608 alleles (0.15%); highest among the groups gnomAD compares: African/African-American, 2.1%; 35 homozygotes.

Submissions (5):

Labcorp Genetics (formerly Invitae), Labcorp
Classification: Benign for Multiple acyl-CoA dehydrogenase deficiency. Last evaluated: 2026-01-31. Review status: criteria provided, single submitter. Criteria: Invitae Variant Classification Sherloc (09022015). Collection method: clinical testing. Allele origin: germline.

ARUP Laboratories, Molecular Genetics and Genomics, ARUP Laboratories
Classification: Benign for Multiple acyl-CoA dehydrogenase deficiency. Last evaluated: 2025-02-27. Review status: criteria provided, single submitter. Criteria: ARUP Molecular Germline Variant Investigation Process 2024. Collection method: clinical testing. Allele origin: germline.

Eurofins Ntd Llc (ga)
Classification: Benign. Last evaluated: 2014-01-17. Review status: criteria provided, single submitter. Criteria: EGL Classification Definitions 2015. Collection method: clinical testing. Allele origin: germline. Observed: 1 variant allele, 1 heterozygote.

GeneDx
Classification: Benign. Last evaluated: 2013-04-30. Review status: criteria provided, single submitter. Criteria: GeneDx Variant Classification (06012015). Collection method: clinical testing. Allele origin: germline. Affected: yes.
Comment: This variant is considered likely benign or benign based on one or more of the following criteria: it is a conservative change, it occurs at a poorly conserved position in the protein, it is predicted to be benign by multiple in silico algorithms, and/or has population frequency not consistent with disease.

Breakthrough Genomics
Classification: Benign. Review status: criteria provided, single submitter. Criteria: ACMG Guidelines, 2015. Collection method: not provided. Allele origin: germline. Inheritance: Autosomal recessive inheritance. Affected: yes.